The following is an entry in ClinVar:

NM_024529.5(CDC73):c.1079C>T (p.Pro360Leu)

Gene: CDC73 (cell division cycle 73; plus strand). Cytogenetic location: 1q31.2.
Variant type: single nucleotide variant.
Coding change: c.1079C>T on transcript NM_024529.5 (MANE Select); coding-DNA position 1079, C replaced by T.
Protein change: p.Pro360Leu; replaces proline 360 with leucine.
Molecular consequence: missense variant.
Genome position (GRCh38, 1-based): chr1:193,212,402, C>T. VCF-style: chr1-193212402-C-T. GRCh37 (hg19) VCF-style: chr1-193181532-C-T.
Other names: short protein forms P360L.
Identifiers: ClinVar variation 963980 (VCV000963980.11), dbSNP rs1677295002, ClinGen allele CA344077528.

ClinVar aggregate classification (germline): Uncertain significance. Review status: criteria provided, multiple submitters, no conflicts (2 of 4 stars). 2 submissions from 2 submitters: Uncertain significance (2). Last evaluated 2025-11-16.

Conditions:
Hereditary cancer-predisposing syndrome. Also called: Tumor predisposition; Hereditary neoplastic syndrome; Hereditary Cancer Syndrome; Neoplastic Syndromes, Hereditary. Identifiers: Orphanet 140162, MedGen C0027672, MeSH D009386, MONDO:0015356.
Parathyroid carcinoma (PRTC). Also called: Parathyroid gland carcinoma; CDC73-Related Parathyroid Carcinoma. Identifiers: Orphanet 143, MedGen C0687150, MONDO:0012004, OMIM 608266, HP:0006780.

Submissions (2):

Ambry Genetics
Classification: Uncertain significance for Hereditary cancer-predisposing syndrome. Last evaluated: 2025-11-16. Review status: criteria provided, single submitter. Criteria: Ambry Variant Classification Scheme 2023. Collection method: clinical testing. Allele origin: germline.
Comment: The p.P360L variant (also known as c.1079C>T), located in coding exon 13 of the CDC73 gene, results from a C to T substitution at nucleotide position 1079. The proline at codon 360 is replaced by leucine, an amino acid with similar properties. This amino acid position is conserved. In addition, this alteration is predicted to be deleterious by in silico analysis. Based on the available evidence, the clinical significance of this variant remains unclear.

Labcorp Genetics (formerly Invitae), Labcorp
Classification: Uncertain significance for Parathyroid carcinoma. Last evaluated: 2019-09-01. Review status: criteria provided, single submitter. Criteria: Invitae Variant Classification Sherloc (09022015). Collection method: clinical testing. Allele origin: germline.
Comment: Algorithms developed to predict the effect of missense changes on protein structure and function are either unavailable or do not agree on the potential impact of this missense change (SIFT: "Deleterious"; PolyPhen-2: "Probably Damaging"; Align-GVGD: "Class C0"). This variant has not been reported in the literature in individuals with CDC73-related conditions. This variant is not present in population databases (ExAC no frequency). This sequence change replaces proline with leucine at codon 360 of the CDC73 protein (p.Pro360Leu). The proline residue is highly conserved and there is a moderate physicochemical difference between proline and leucine. In summary, the available evidence is currently insufficient to determine the role of this variant in disease. Therefore, it has been classified as a Variant of Uncertain Significance.